The following is an entry in ClinVar:

ClinVar aggregate classification (germline): Uncertain significance (1 of 4 stars; one submission).

Submission:

CeGaT Center for Human Genetics Tuebingen
Classification: Uncertain significance. Last evaluated: 2026-04-01. Review status: criteria provided, single submitter. Criteria: CeGaT Center For Human Genetics Tuebingen Variant Classification Criteria Version 2. Collection method: clinical testing. Allele origin: germline. Affected: yes. Observed: 1 variant allele.
Comment: KCND3: PM2, PS2:Supporting

NM_001378969.1(KCND3):c.1742G>A (p.Ser581Asn)

Gene: KCND3 (potassium voltage-gated channel subfamily D member 3; minus strand). Cytogenetic location: 1p13.2.
Variant type: single nucleotide variant.
Coding change: c.1742G>A on transcript NM_001378969.1 (MANE Select); coding-DNA position 1742, G replaced by A.
Protein change: p.Ser581Asn; replaces serine 581 with asparagine.
Molecular consequence: missense variant.
Genome position (GRCh38, 1-based): chr1:111,777,050, C>T on the plus strand (G>A on the coding strand, the complement: KCND3 is on the minus strand). VCF-style: chr1-111777050-C-T. GRCh37 (hg19) VCF-style: chr1-112319672-C-T.
Other names: c.1685G>A, p.Ser562Asn (NM_001378970.1, NM_172198.3); c.1742G>A, p.Ser581Asn (NM_004980.5); short protein forms S562N, S581N.
Identifiers: ClinVar variation 4874467 (VCV004874467.2).